The following is an entry in ClinVar:

ClinVar aggregate classification (germline): Uncertain significance. Review status: criteria provided, multiple submitters, no conflicts (2 of 4 stars). 3 submissions from 3 submitters: Uncertain significance (2). 1 of the submissions does not count toward it. Last evaluated 2024-07-02.

Conditions:
Fumarase deficiency (FMRD). Also called: Fumaric aciduria; Fumarate Hydratase Deficiency. Identifiers: Orphanet 24, MedGen C0342770, MONDO:0011730, OMIM 606812.
Hereditary cancer-predisposing syndrome. Also called: Hereditary Cancer Syndrome; Tumor predisposition; Neoplastic Syndromes, Hereditary; Hereditary neoplastic syndrome. Identifiers: Orphanet 140162, MedGen C0027672, MeSH D009386, MONDO:0015356.

gnomAD v4.1: 1 of 1,613,798 alleles (0.000062%); highest among the groups gnomAD compares: Admixed American, 0.0017%; no homozygotes.

Submissions (3):

Labcorp Genetics (formerly Invitae), Labcorp
Classification: Uncertain significance. Last evaluated: 2024-07-02. Review status: criteria provided, single submitter. Criteria: Invitae Variant Classification Sherloc (09022015). Collection method: clinical testing. Allele origin: germline.
Comment: This sequence change replaces alanine, which is neutral and non-polar, with valine, which is neutral and non-polar, at codon 119 of the FH protein (p.Ala119Val). This variant is present in population databases (no rsID available, gnomAD 0.003%). This variant has not been reported in the literature in individuals affected with FH-related conditions. ClinVar contains an entry for this variant (Variation ID: 650781). Advanced modeling of protein sequence and biophysical properties (such as structural, functional, and spatial information, amino acid conservation, physicochemical variation, residue mobility, and thermodynamic stability) performed at Invitae indicates that this missense variant is not expected to disrupt FH protein function with a negative predictive value of 80%. In summary, the available evidence is currently insufficient to determine the role of this variant in disease. Therefore, it has been classified as a Variant of Uncertain Significance.

Ambry Genetics
Classification: Uncertain significance for Hereditary cancer-predisposing syndrome. Last evaluated: 2022-08-02. Review status: criteria provided, single submitter. Criteria: Ambry Variant Classification Scheme 2023. Collection method: clinical testing. Allele origin: germline.
Comment: The p.A119V variant (also known as c.356C>T), located in coding exon 3 of the FH gene, results from a C to T substitution at nucleotide position 356. The alanine at codon 119 is replaced by valine, an amino acid with similar properties. This amino acid position is highly conserved in available vertebrate species. In addition, this alteration is predicted to be deleterious by in silico analysis. Since supporting evidence is limited at this time, the clinical significance of this alteration remains unclear.

Natera, Inc.
Classification: Uncertain significance for Fumarase Deficiency. Last evaluated: 2025-02-04. Review status: no assertion criteria provided. Collection method: clinical testing. Allele origin: germline. Not counted in ClinVar's aggregate classification.

NM_000143.4(FH):c.356C>T (p.Ala119Val)

Gene: FH (fumarate hydratase; minus strand). Cytogenetic location: 1q43.
Variant type: single nucleotide variant.
Coding change: c.356C>T on transcript NM_000143.4 (MANE Select); coding-DNA position 356, C replaced by T.
Protein change: p.Ala119Val; replaces alanine 119 with valine.
Molecular consequence: missense variant.
Genome position (GRCh38, 1-based): chr1:241,513,625, G>A on the plus strand (C>T on the coding strand, the complement: FH is on the minus strand). VCF-style: chr1-241513625-G-A. GRCh37 (hg19) VCF-style: chr1-241676925-G-A.
Other names: short protein forms A119V.
Identifiers: ClinVar variation 650781 (VCV000650781.12), dbSNP rs1395827785, ClinGen allele CA345440536.
Genomic context (GRCh38, chr1:241,513,625, plus strand): 5'-TCTGAGGTTATTAAGCAAACACACTTATCACCTCCTACCTCATCTGCTGCCTTCATTATT[G>A]CATTAGCAATCTTTGGATCAAGACCATAATCCTGGTTTACTTCAGCGGCCGCTCGCTTCA-3'
Protein context (NP_000134.2, residues 109-129): DYGLDPKIAN[Ala119Val]IMKAADEVAE